The following is an entry in ClinVar:

ClinVar aggregate classification (germline): Uncertain significance. Review status: criteria provided, multiple submitters, no conflicts (2 of 4 stars). 2 submissions from 2 submitters: Uncertain significance (2). Last evaluated 2023-04-20.

Conditions:
Familial temporal lobe epilepsy 7. Identifiers: Orphanet 101046, MedGen C4225327, MONDO:0014639, OMIM 616436.
Norman-Roberts syndrome (LIS2). Also called: Lissencephaly 2 (Norman-Roberts type). Identifiers: Orphanet 89844, MedGen C0796089, MONDO:0009760, OMIM 257320.

gnomAD v4.1: 3 of 1,614,072 alleles (0.00019%); highest among the groups gnomAD compares: Non-Finnish European, 0.00025%; no homozygotes.

Submissions (2):

Labcorp Genetics (formerly Invitae), Labcorp
Classification: Uncertain significance for Familial temporal lobe epilepsy 7; Norman-Roberts syndrome. Last evaluated: 2023-04-20. Review status: criteria provided, single submitter. Criteria: Invitae Variant Classification Sherloc (09022015). Collection method: clinical testing. Allele origin: germline.
Comment: In summary, the available evidence is currently insufficient to determine the role of this variant in disease. Therefore, it has been classified as a Variant of Uncertain Significance. Advanced modeling of protein sequence and biophysical properties (such as structural, functional, and spatial information, amino acid conservation, physicochemical variation, residue mobility, and thermodynamic stability) performed at Invitae indicates that this missense variant is not expected to disrupt RELN protein function. ClinVar contains an entry for this variant (Variation ID: 2146444). This variant has not been reported in the literature in individuals affected with RELN-related conditions. This variant is not present in population databases (gnomAD no frequency). This sequence change replaces isoleucine, which is neutral and non-polar, with methionine, which is neutral and non-polar, at codon 1614 of the RELN protein (p.Ile1614Met).

CeGaT Center for Human Genetics Tuebingen
Classification: Uncertain significance. Last evaluated: 2022-12-01. Review status: criteria provided, single submitter. Criteria: CeGaT Center For Human Genetics Tuebingen Variant Classification Criteria Version 2. Collection method: clinical testing. Allele origin: germline. Affected: yes. Observed: 1 variant allele.
Comment: RELN: PM2, BP4

NM_005045.4(RELN):c.4842A>G (p.Ile1614Met)

Gene: RELN (reelin; minus strand). Cytogenetic location: 7q22.1.
Variant type: single nucleotide variant.
Coding change: c.4842A>G on transcript NM_005045.4 (MANE Select); coding-DNA position 4842, A replaced by G.
Protein change: p.Ile1614Met; replaces isoleucine 1614 with methionine.
Molecular consequence: missense variant.
Genome position (GRCh38, 1-based): chr7:103,566,318, T>C on the plus strand (A>G on the coding strand, the complement: RELN is on the minus strand). VCF-style: chr7-103566318-T-C. GRCh37 (hg19) VCF-style: chr7-103206765-T-C.
Other names: c.4842A>G, p.Ile1614Met (NM_173054.3); short protein forms I1614M.
Identifiers: ClinVar variation 2146444 (VCV002146444.28), dbSNP rs2484743277, ClinGen allele CA368748025.